The following is an entry in ClinVar:

ClinVar aggregate classification (germline): Likely pathogenic (1 of 4 stars; one submission).

Submission:

Labcorp Genetics (formerly Invitae), Labcorp
Classification: Likely pathogenic. Last evaluated: 2020-04-21. Review status: criteria provided, single submitter. Criteria: Invitae Variant Classification Sherloc (09022015). Collection method: clinical testing. Allele origin: germline.
Comment: This sequence change affects a donor splice site in intron 19 of the MSH3 gene. It is expected to disrupt RNA splicing and likely results in an absent or disrupted protein product. This variant is not present in population databases (ExAC no frequency). This variant has not been reported in the literature in individuals with MSH3-related conditions. Donor and acceptor splice site variants typically lead to a loss of protein function (PMID: 16199547), and loss-of-function variants in MSH3 are known to be pathogenic (PMID: 27476653). In summary, the currently available evidence indicates that the variant is pathogenic, but additional data are needed to prove that conclusively. Therefore, this variant has been classified as Likely Pathogenic.

Literature cited by the submitters: PubMed 16199547; PubMed 27476653.

NM_002439.5(MSH3):c.2655+1_2655+8del

Gene: MSH3 (mutS homolog 3; plus strand). Cytogenetic location: 5q14.1.
Variant type: Deletion.
Coding change: c.2655+1_2655+8del on transcript NM_002439.5 (MANE Select); the canonical splice donor site of the intron after coding-DNA position 2655 through 8 bases into the intron after coding-DNA position 2655, 8 bases deleted (GTAAGTAC; older notation c.2655+1_2655+8delGTAAGTAC).
Molecular consequence: splice donor variant.
Genome position (GRCh38, 1-based): chr5:80,792,845-80,792,852, GTAAGTAC deleted. VCF-style (leftmost placement, unchanged base first): chr5-80792844-AGTAAGTAC-A. GRCh37 (hg19) VCF-style: chr5-80088663-AGTAAGTAC-A.
Identifiers: ClinVar variation 1068152 (VCV001068152.7), dbSNP rs2112026895, ClinGen allele CA2499217958.